The following is an entry in ClinVar:

NM_005228.5(EGFR):c.2514G>A (p.Leu838=)

Gene: EGFR (epidermal growth factor receptor; plus strand). Cytogenetic location: 7p11.2.
Variant type: single nucleotide variant.
Coding change: c.2514G>A on transcript NM_005228.5 (MANE Select); coding-DNA position 2514, G replaced by A.
Protein change: p.Leu838=; no amino-acid change (leucine 838 retained).
Molecular consequence: synonymous variant.
Genome position (GRCh38, 1-based): chr7:55,191,763, G>A. VCF-style: chr7-55191763-G-A. GRCh37 (hg19) VCF-style: chr7-55259456-G-A.
Other names: c.2379G>A, p.Leu793= (NM_001346897.2, NM_001346899.2); c.2514G>A, p.Leu838= (NM_001346898.2); c.2355G>A, p.Leu785= (NM_001346900.2); c.1713G>A, p.Leu571= (NM_001346941.2).
Identifiers: ClinVar variation 3773476 (VCV003773476.2).
Genomic context (GRCh38, chr7:55,191,763, plus strand): 5'-GTCTTCTCTGTTTCAGGGCATGAACTACTTGGAGGACCGTCGCTTGGTGCACCGCGACCT[G>A]GCAGCCAGGAACGTACTGGTGAAAACACCGCAGCATGTCAAGATCACAGATTTTGGGCTG-3'
Protein context (NP_005219.2, residues 828-848): LEDRRLVHRD[Leu838=]AARNVLVKTP

ClinVar aggregate classification (germline): Benign/Likely benign. Review status: criteria provided, multiple submitters, no conflicts (2 of 4 stars). 2 submissions from 2 submitters: Benign (1); Likely benign (1). Last evaluated 2026-08-31.

Conditions:
Hereditary cancer-predisposing syndrome. Also called: Tumor predisposition; Hereditary neoplastic syndrome; Hereditary Cancer Syndrome; Neoplastic Syndromes, Hereditary. Identifiers: Orphanet 140162, MedGen C0027672, MeSH D009386, MONDO:0015356.
Lung cancer. Also called: Lung cancer, somatic; Malignant tumor of lung. Identifiers: MedGen C0242379, MONDO:0008903, OMIM 211980.

Submissions (2):

Ambry Genetics
Classification: Likely benign for Hereditary cancer-predisposing syndrome. Last evaluated: 2026-08-31. Review status: criteria provided, single submitter. Criteria: Ambry Variant Classification Scheme 2023. Collection method: clinical testing. Allele origin: germline.

Myriad Genetics, Inc.
Classification: Benign for Lung cancer. Last evaluated: 2024-10-17. Review status: criteria provided, single submitter. Criteria: Myriad Autosomal Dominant, Autosomal Recessive and X-Linked Classification Criteria (2023). Collection method: clinical testing. Allele origin: unknown.
Comment: This variant is considered benign. This variant is a silent/synonymous amino acid change and it is not expected to impact splicing.